The following is an entry in ClinVar:

ClinVar aggregate classification (germline): Uncertain significance (1 of 4 stars; one submission).

Conditions:
Birt-Hogg-Dube syndrome. Also called: Birt Hogg Dubé syndrome. Identifiers: Orphanet 122, MedGen C0346010, MONDO:0800444.

Submission:

Labcorp Genetics (formerly Invitae), Labcorp
Classification: Uncertain significance for Birt-Hogg-Dube syndrome. Last evaluated: 2026-01-17. Review status: criteria provided, single submitter. Criteria: Invitae Variant Classification Sherloc (09022015). Collection method: clinical testing. Allele origin: germline.
Comment: This sequence change replaces glycine, which is neutral and non-polar, with aspartic acid, which is acidic and polar, at codon 556 of the FLCN protein (p.Gly556Asp). This variant is not present in population databases (gnomAD no frequency). This variant has not been reported in the literature in individuals affected with FLCN-related conditions. Invitae Evidence Modeling of protein sequence and biophysical properties (such as structural, functional, and spatial information, amino acid conservation, physicochemical variation, residue mobility, and thermodynamic stability) indicates that this missense variant is expected to disrupt FLCN protein function with a positive predictive value of 80%. In summary, the available evidence is currently insufficient to determine the role of this variant in disease. Therefore, it has been classified as a Variant of Uncertain Significance.

NM_144997.7(FLCN):c.1667G>A (p.Gly556Asp)

Gene: FLCN (folliculin; minus strand). Cytogenetic location: 17p11.2.
Variant type: single nucleotide variant.
Coding change: c.1667G>A on transcript NM_144997.7 (MANE Select); coding-DNA position 1667, G replaced by A.
Protein change: p.Gly556Asp; replaces glycine 556 with aspartic acid.
Molecular consequence: missense variant.
Genome position (GRCh38, 1-based): chr17:17,213,728, C>T on the plus strand (G>A on the coding strand, the complement: FLCN is on the minus strand). VCF-style: chr17-17213728-C-T. GRCh37 (hg19) VCF-style: chr17-17117042-C-T.
Other names: c.1721G>A, p.Gly574Asp (NM_001353229.2); c.1667G>A, p.Gly556Asp (NM_001353230.2, NM_001353231.2); short protein forms G556D, G574D.
Identifiers: ClinVar variation 4725997 (VCV004725997.1).